The following is an entry in ClinVar:

ClinVar aggregate classification (germline): Conflicting classifications of pathogenicity. Review status: criteria provided, conflicting classifications (1 of 4 stars). 4 submissions from 4 submitters: Uncertain significance (1); Likely benign (2). 1 of the submissions does not count toward it. Last evaluated 2025-10-29.

Conditions:
KMT2D-related disorder. Also called: KMT2D-Related Disorders.
Kabuki syndrome. Also called: NIIKAWA-KUROKI SYNDROME; Kabuki make-up syndrome. Identifiers: Orphanet 2322, MedGen C0796004, MONDO:0016512.

Allele frequency attached by ClinVar (database versions not stated): gnomAD exomes 0.00006; ExAC 0.00008.
gnomAD v4.1: 33 of 1,612,830 alleles (0.002%); highest among the groups gnomAD compares: East Asian, 0.049%; no homozygotes.

Submissions (4):

Labcorp Genetics (formerly Invitae), Labcorp
Classification: Likely benign for Kabuki syndrome. Last evaluated: 2025-10-29. Review status: criteria provided, single submitter. Criteria: Invitae Variant Classification Sherloc (09022015). Collection method: clinical testing. Allele origin: germline.

Blueprint Genetics
Classification: Likely benign. Last evaluated: 2024-09-20. Review status: criteria provided, single submitter. Criteria: ACMG Guidelines, 2015. Collection method: clinical testing. Allele origin: germline.

Revvity Omics, Revvity
Classification: Uncertain significance. Last evaluated: 2019-09-16. Review status: criteria provided, single submitter. Criteria: ACMG Guidelines, 2015. Collection method: clinical testing. Allele origin: germline.

PreventionGenetics, part of Exact Sciences
Classification: Likely benign for KMT2D-related condition. Last evaluated: 2023-11-13. Review status: no assertion criteria provided. Collection method: clinical testing. Allele origin: germline. Not counted in ClinVar's aggregate classification.
Comment: This variant is classified as likely benign based on ACMG/AMP sequence variant interpretation guidelines (Richards et al. 2015 PMID: 25741868, with internal and published modifications).

NM_003482.4(KMT2D):c.10523G>A (p.Arg3508Gln)

Gene: KMT2D (lysine methyltransferase 2D; minus strand). Cytogenetic location: 12q13.12.
Variant type: single nucleotide variant.
Coding change: c.10523G>A on transcript NM_003482.4 (MANE Select); coding-DNA position 10523, G replaced by A.
Protein change: p.Arg3508Gln; replaces arginine 3508 with glutamine.
Molecular consequence: missense variant.
Genome position (GRCh38, 1-based): chr12:49,034,284, C>T on the plus strand (G>A on the coding strand, the complement: KMT2D is on the minus strand). VCF-style: chr12-49034284-C-T. GRCh37 (hg19) VCF-style: chr12-49428067-C-T.
Other names: c.10523G>A (NM_003482.3); short protein forms R3508Q.
Identifiers: ClinVar variation 1568534 (VCV001568534.13), dbSNP rs772010347, ClinGen allele CA6546472.